The following is an entry in ClinVar:

ClinVar aggregate classification (germline): Likely benign (1 of 4 stars; one submission).

Allele frequency attached by ClinVar (database versions not stated): TOPMed 0.00004; 1000 Genomes Project 30x 0.00031.
gnomAD v4.1: 4 of 980,686 alleles (0.00041%); highest among the groups gnomAD compares: African/African-American, 0.0071%; no homozygotes.

Submission:

GeneDx
Classification: Likely benign. Last evaluated: 2018-02-12. Review status: criteria provided, single submitter. Criteria: GeneDx Variant Classification (06012015). Collection method: clinical testing. Allele origin: germline. Affected: yes.
Comment: This variant is considered likely benign or benign based on one or more of the following criteria: it is a conservative change, it occurs at a poorly conserved position in the protein, it is predicted to be benign by multiple in silico algorithms, and/or has population frequency not consistent with disease.

NM_080605.4(B3GALT6):c.-38G>A

Gene: B3GALT6 (beta-1,3-galactosyltransferase 6; plus strand). Cytogenetic location: 1p36.33.
Variant type: single nucleotide variant.
Coding change: c.-38G>A on transcript NM_080605.4 (MANE Select); 38 bases upstream of the start codon, G replaced by A.
Molecular consequence: 5 prime UTR variant.
Genome position (GRCh38, 1-based): chr1:1,232,241, G>A. VCF-style: chr1-1232241-G-A. GRCh37 (hg19) VCF-style: chr1-1167621-G-A.
Identifiers: ClinVar variation 515496 (VCV000515496.1), dbSNP rs1386625448, ClinGen allele CA658795353.